The following is an entry in ClinVar:

ClinVar aggregate classification (germline): Benign/Likely benign. Review status: criteria provided, multiple submitters, no conflicts (2 of 4 stars). 14 submissions from 14 submitters: Benign (1); Likely benign (10). 3 of the submissions do not count toward it. Last evaluated 2026-08-01.

Conditions:
BAP1-related disorder. Also called: BAP1-related condition.
Hereditary cancer-predisposing syndrome. Also called: Hereditary neoplastic syndrome; Hereditary Cancer Syndrome; Neoplastic Syndromes, Hereditary; Tumor predisposition. Identifiers: Orphanet 140162, MedGen C0027672, MeSH D009386, MONDO:0015356.
BAP1-related tumor predisposition syndrome (TPDS1). Also called: COMMON Syndrome; TUMOR PREDISPOSITION SYNDROME 1; BAP1 tumor predisposition syndrome; Tumor susceptibility linked to germline BAP1 mutations. Identifiers: Orphanet 289539, MedGen C3280492, MONDO:0013692, OMIM 614327.

Allele frequency attached by ClinVar (database versions not stated): ExAC 0.00008; gnomAD exomes 0.00009 and 0.00029; gnomAD 0.00015; TOPMed 0.00017; ESP Exome Variant Server 0.00046.
gnomAD v4.1: 441 of 1,613,946 alleles (0.027%); highest among the groups gnomAD compares: Non-Finnish European, 0.036%; no homozygotes.

Submissions (14):

CeGaT Center for Human Genetics Tuebingen
Classification: Likely benign. Last evaluated: 2026-08-01. Review status: criteria provided, single submitter. Criteria: CeGaT Center For Human Genetics Tuebingen Variant Classification Criteria Version 2. Collection method: clinical testing. Allele origin: germline. Affected: yes. Observed: 1 variant allele.
Comment: BAP1: BP4, BP7

Labcorp Genetics (formerly Invitae), Labcorp
Classification: Likely benign for BAP1-related tumor predisposition syndrome. Last evaluated: 2026-01-31. Review status: criteria provided, single submitter. Criteria: Invitae Variant Classification Sherloc (09022015). Collection method: clinical testing. Allele origin: germline.

Quest Diagnostics Nichols Institute San Juan Capistrano
Classification: Likely benign. Last evaluated: 2025-04-07. Review status: criteria provided, single submitter. Criteria: Quest Diagnostics criteria. Collection method: clinical testing. Allele origin: unknown.

Center for Genomic Medicine, Rigshospitalet, Copenhagen University Hospital
Classification: Likely benign. Last evaluated: 2025-03-04. Review status: criteria provided, single submitter. Criteria: ACMG Guidelines, 2015. Collection method: clinical testing. Allele origin: germline.

Myriad Genetics, Inc.
Classification: Benign for BAP1-related tumor predisposition syndrome. Last evaluated: 2024-07-16. Review status: criteria provided, single submitter. Criteria: Myriad Autosomal Dominant, Autosomal Recessive and X-Linked Classification Criteria (2023). Collection method: clinical testing. Allele origin: unknown.
Comment: This variant is considered benign. This variant is a silent/synonymous amino acid change and it is not expected to impact splicing.

ARUP Laboratories, Molecular Genetics and Genomics, ARUP Laboratories
Classification: Likely benign. Last evaluated: 2024-07-09. Review status: criteria provided, single submitter. Criteria: ARUP Molecular Germline Variant Investigation Process 2024. Collection method: clinical testing. Allele origin: germline.

GeneDx
Classification: Likely benign. Last evaluated: 2021-06-11. Review status: criteria provided, single submitter. Criteria: GeneDx Variant Classification Process June 2021. Collection method: clinical testing. Allele origin: germline. Affected: yes.
Comment: This variant is associated with the following publications: (PMID: 25589003)

Sema4
Classification: Likely benign for Hereditary cancer-predisposing syndrome. Last evaluated: 2020-11-02. Review status: criteria provided, single submitter. Criteria: Sema4 Curation Guidelines. Collection method: curation. Allele origin: germline.

Illumina Laboratory Services, Illumina
Classification: Likely benign for BAP1-related tumor predisposition syndrome. Last evaluated: 2018-01-12. Review status: criteria provided, single submitter. Criteria: ICSL Variant Classification Criteria 13 December 2019. Collection method: clinical testing. Allele origin: germline.
Comment: This variant was observed in the ICSL laboratory as part of a predisposition screen in an ostensibly healthy population. It had not been previously curated by ICSL or reported in the Human Gene Mutation Database (HGMD: prior to June 1st, 2018), and was therefore a candidate for classification through an automated scoring system. Utilizing variant allele frequency, disease prevalence and penetrance estimates, and inheritance mode, an automated score was calculated to assess if this variant is too frequent to cause the disease. Based on the score and internal cut-off values, a variant classified as likely benign is not then subjected to further curation. The score for this variant resulted in a classification of likely benign for this disease.

Color Diagnostics, LLC DBA Color Health
Classification: Likely benign for Hereditary cancer-predisposing syndrome. Last evaluated: 2016-03-09. Review status: criteria provided, single submitter. Criteria: ACMG Guidelines, 2015. Collection method: clinical testing. Allele origin: germline.

Ambry Genetics
Classification: Likely benign for Hereditary cancer-predisposing syndrome. Last evaluated: 2015-08-31. Review status: criteria provided, single submitter. Criteria: Ambry Variant Classification Scheme 2023. Collection method: clinical testing. Allele origin: germline.

PreventionGenetics, part of Exact Sciences
Classification: Likely benign for BAP1-related condition. Last evaluated: 2022-05-25. Review status: no assertion criteria provided. Collection method: clinical testing. Allele origin: germline. Not counted in ClinVar's aggregate classification.
Comment: This variant is classified as likely benign based on ACMG/AMP sequence variant interpretation guidelines (Richards et al. 2015 PMID: 25741868, with internal and published modifications).

Clinical Genetics DNA and cytogenetics Diagnostics Lab, Erasmus MC, Erasmus Medical Center
Classification: Likely benign. Review status: no assertion criteria provided. Collection method: clinical testing. Allele origin: germline. Affected: yes. Study: VKGL Data-share Consensus. Not counted in ClinVar's aggregate classification.

Genome Diagnostics Laboratory, Amsterdam University Medical Center
Classification: Likely benign. Review status: no assertion criteria provided. Collection method: clinical testing. Allele origin: germline. Affected: yes. Study: VKGL Data-share Consensus. Not counted in ClinVar's aggregate classification.

NM_004656.4(BAP1):c.1407C>T (p.Ser469=)

Gene: BAP1 (BRCA1 associated deubiquitinase 1; minus strand). Cytogenetic location: 3p21.1.
Variant type: single nucleotide variant.
Coding change: c.1407C>T on transcript NM_004656.4 (MANE Select); coding-DNA position 1407, C replaced by T.
Protein change: p.Ser469=; no amino-acid change (serine 469 retained).
Molecular consequence: synonymous variant.
Genome position (GRCh38, 1-based): chr3:52,403,738, G>A on the plus strand (C>T on the coding strand, the complement: BAP1 is on the minus strand). VCF-style: chr3-52403738-G-A. GRCh37 (hg19) VCF-style: chr3-52437754-G-A.
Other names: c.1407C>T (LRG_529t1).
Identifiers: ClinVar variation 240047 (VCV000240047.37), dbSNP rs150524807, ClinGen allele CA2436812.